The following is an entry in ClinVar:

NM_198253.3(TERT):c.1417G>T (p.Val473Leu)

Gene: TERT (telomerase reverse transcriptase; minus strand). Cytogenetic location: 5p15.33.
Variant type: single nucleotide variant.
Coding change: c.1417G>T on transcript NM_198253.3 (MANE Select); coding-DNA position 1417, G replaced by T.
Protein change: p.Val473Leu; replaces valine 473 with leucine.
Molecular consequence: missense variant. On other transcripts: non-coding transcript variant (2).
Genome position (GRCh38, 1-based): chr5:1,293,469, C>A on the plus strand (G>T on the coding strand, the complement: TERT is on the minus strand). VCF-style: chr5-1293469-C-A. GRCh37 (hg19) VCF-style: chr5-1293584-C-A.
Other names: c.1417G>T, p.Val473Leu (NM_001193376.3, NM_003219.1); short protein forms V473L.
Identifiers: ClinVar variation 2102481 (VCV002102481.4), dbSNP rs1554042817, ClinGen allele CA359085710.

ClinVar aggregate classification (germline): Uncertain significance (1 of 4 stars; one submission).

Conditions:
Idiopathic Pulmonary Fibrosis. Also called: Idiopathic fibrosing alveolitis, chronic form; idiopathic fibrosing alveolitis. Identifiers: Orphanet 2032, MedGen C1800706, MeSH D054990, MONDO:0800504.
Dyskeratosis congenita, autosomal dominant 2. Identifiers: MedGen C3151443, MONDO:0013521, OMIM 613989.

Submission:

Labcorp Genetics (formerly Invitae), Labcorp
Classification: Uncertain significance for Dyskeratosis congenita, autosomal dominant 2; Idiopathic Pulmonary Fibrosis. Last evaluated: 2022-02-23. Review status: criteria provided, single submitter. Criteria: Invitae Variant Classification Sherloc (09022015). Collection method: clinical testing. Allele origin: germline.
Comment: In summary, the available evidence is currently insufficient to determine the role of this variant in disease. Therefore, it has been classified as a Variant of Uncertain Significance. Advanced modeling of protein sequence and biophysical properties (such as structural, functional, and spatial information, amino acid conservation, physicochemical variation, residue mobility, and thermodynamic stability) performed at Invitae indicates that this missense variant is expected to disrupt TERT protein function. This variant has not been reported in the literature in individuals affected with TERT-related conditions. This variant is not present in population databases (gnomAD no frequency). This sequence change replaces valine, which is neutral and non-polar, with leucine, which is neutral and non-polar, at codon 473 of the TERT protein (p.Val473Leu).